The following is an entry in ClinVar:

NM_015450.3(POT1):c.546+5A>G

Gene: POT1 (protection of telomeres 1; minus strand). Cytogenetic location: 7q31.33.
Variant type: single nucleotide variant.
Coding change: c.546+5A>G on transcript NM_015450.3 (MANE Select); 5 bases into the intron after coding-DNA position 546, A replaced by G.
Molecular consequence: intron variant.
Genome position (GRCh38, 1-based): chr7:124,863,345, T>C on the plus strand (A>G on the coding strand, the complement: POT1 is on the minus strand). VCF-style: chr7-124863345-T-C. GRCh37 (hg19) VCF-style: chr7-124503399-T-C.
Other names: c.153+5A>G (NM_001042594.2).
Identifiers: ClinVar variation 864518 (VCV000864518.12), dbSNP rs977061425, ClinGen allele CA166074031.
Genomic context (GRCh38, chr7:124,863,345, plus strand): 5'-CATAAGCTCTTTACAGACATGTAAGTGGTGCTAACTTATAATTCCCAGTATTAAAAAATA[T>C]GTACCTTTAGAAGAAATGATGCTCCGTCCACTTCTGCTTTGCCCAAGAGCTGACAAGTCA-3'

ClinVar aggregate classification (germline): Conflicting classifications of pathogenicity. Review status: criteria provided, conflicting classifications (1 of 4 stars). 3 submissions from 3 submitters: Uncertain significance (2); Likely benign (1). Last evaluated 2025-08-06.

Conditions:
Tumor predisposition syndrome 3 (TPDS3). Also called: Melanoma, cutaneous malignant, susceptibility to, 10; Glioma susceptibility 9; LONG TELOMERE SYNDROME, POT1-RELATED; POT1 Tumor Predisposition. Identifiers: Orphanet 618, MedGen C4014476, MONDO:0014368, OMIM 615848.
Hereditary cancer-predisposing syndrome. Also called: Neoplastic Syndromes, Hereditary; Hereditary neoplastic syndrome; Tumor predisposition; Hereditary Cancer Syndrome. Identifiers: Orphanet 140162, MedGen C0027672, MeSH D009386, MONDO:0015356.

Allele frequency attached by ClinVar (database versions not stated): gnomAD exomes below 0.00001; gnomAD 0.00001; TOPMed 0.00002.
gnomAD v4.1: 2 of 1,606,136 alleles (0.00012%); highest among the groups gnomAD compares: African/African-American, 0.0013%; no homozygotes.

Submissions (3):

Labcorp Genetics (formerly Invitae), Labcorp
Classification: Likely benign for Tumor predisposition syndrome 3. Last evaluated: 2025-08-06. Review status: criteria provided, single submitter. Criteria: Invitae Variant Classification Sherloc (09022015). Collection method: clinical testing. Allele origin: germline.

Quest Diagnostics Nichols Institute San Juan Capistrano
Classification: Uncertain significance. Last evaluated: 2024-12-26. Review status: criteria provided, single submitter. Criteria: Quest Diagnostics criteria. Collection method: clinical testing. Allele origin: unknown.
Comment: The POT1 c.546+5A>G variant has not been reported in individuals with POT1-related conditions in the published literature. It also has not been reported in large, multi-ethnic general populations (Genome Aggregation Database). Analysis of this variant using software algorithms for the prediction of the effect of nucleotide changes on splicing yielded predictions that this variant does not affect POT1 mRNA splicing. Based on the available information, we are unable to determine the clinical significance of this variant.

Ambry Genetics
Classification: Uncertain significance for Hereditary cancer-predisposing syndrome. Last evaluated: 2024-03-28. Review status: criteria provided, single submitter. Criteria: Ambry Variant Classification Scheme 2023. Collection method: clinical testing. Allele origin: germline.
Comment: The c.546+5A>G intronic variant results from an A to G substitution 5 nucleotides after coding exon 4 in the POT1 gene. This nucleotide position is not well conserved in available vertebrate species. In silico splice site analysis predicts that this alteration will not have any significant effect on splicing. Since supporting evidence is limited at this time, the clinical significance of this alteration remains unclear.